The following is an entry in ClinVar:

NM_001080453.3(INTS1):c.153C>T (p.Ser51=)

Gene: INTS1 (integrator complex subunit 1; minus strand). Cytogenetic location: 7p22.3.
Variant type: single nucleotide variant.
Coding change: c.153C>T on transcript NM_001080453.3 (MANE Select); coding-DNA position 153, C replaced by T.
Protein change: p.Ser51=; no amino-acid change (serine 51 retained).
Molecular consequence: synonymous variant.
Genome position (GRCh38, 1-based): chr7:1,503,097, G>A on the plus strand (C>T on the coding strand, the complement: INTS1 is on the minus strand). VCF-style: chr7-1503097-G-A. GRCh37 (hg19) VCF-style: chr7-1542733-G-A.
Identifiers: ClinVar variation 737204 (VCV000737204.28), dbSNP rs371226645, ClinGen allele CA4120904.

ClinVar aggregate classification (germline): Likely benign. Review status: criteria provided, multiple submitters, no conflicts (2 of 4 stars). 2 submissions from 2 submitters: Likely benign (2). Last evaluated 2026-03-01.

Allele frequency attached by ClinVar (database versions not stated): ESP Exome Variant Server 0.00016; TOPMed 0.00007; ExAC 0.00009; gnomAD 0.00009 and 0.00010; gnomAD exomes 0.00010.
gnomAD v4.1: 171 of 1,610,578 alleles (0.011%); highest among the groups gnomAD compares: South Asian, 0.011%; no homozygotes.

Submissions (2):

CeGaT Center for Human Genetics Tuebingen
Classification: Likely benign. Last evaluated: 2026-03-01. Review status: criteria provided, single submitter. Criteria: CeGaT Center For Human Genetics Tuebingen Variant Classification Criteria Version 2. Collection method: clinical testing. Allele origin: germline. Affected: yes. Observed: 2 variant alleles.
Comment: INTS1: BP4, BP7

Labcorp Genetics (formerly Invitae), Labcorp
Classification: Likely benign. Last evaluated: 2018-03-29. Review status: criteria provided, single submitter. Criteria: Invitae Variant Classification Sherloc (09022015). Collection method: clinical testing. Allele origin: germline.